The following is an entry in ClinVar:

NC_000009.12:g.35658073T>C

Gene: RMRP (RNA component of mitochondrial RNA processing endoribonuclease; minus strand). Cytogenetic location: 9p13.3.
Variant type: single nucleotide variant.
Genome position: GRCh38 VCF-style: chr9-35658073-T-C. GRCh37 (hg19) VCF-style: chr9-35658070-T-C.
Identifiers: ClinVar variation 138921 (VCV000138921.16), dbSNP rs12551232, ClinGen allele CA293095.
Genomic context (GRCh38, chr9:35,658,073, plus strand): 5'-CGAACCACGTCCTCAGCTTCACAGAGTAGTATTTTATAGCCCTAAAGAAATTGTGTTTTA[T>C]GATTAGGGTGAGAAAGTTGGTGGCGTGAGATTAAAAAAACCGTTTTCGGGCATAACTTTC-3'

ClinVar aggregate classification (germline): Benign. Review status: reviewed by expert panel (3 of 4 stars). 5 submissions from 5 submitters: Benign (1). 4 of the submissions do not count toward it. Last evaluated 2026-10-13.

Conditions:
Anauxetic dysplasia. Identifiers: Orphanet 93347, MedGen C1846796, MONDO:0011773.
Metaphyseal chondrodysplasia, McKusick type (CHH). Also called: Cartilage-hair hypoplasia; Cartilage-Hair Hypoplasia (CHH). Identifiers: Orphanet 175, MedGen C0220748, MONDO:0009595, OMIM 250250.

Allele frequency attached by ClinVar (database versions not stated): 1000 Genomes Project 0.15176; TOPMed 0.18164; 1000 Genomes Project 30x 0.15756.

Submissions (5):

ClinGen Severe Combined Immunodeficiency Variant Curation Expert Panel, ClinGen
Classification: Benign for Metaphyseal chondrodysplasia, McKusick type. Last evaluated: 2026-10-13. Review status: reviewed by expert panel. Criteria: ClinGen SCID ACMG Specifications RMRP V1.3. Collection method: curation. Allele origin: germline. Inheritance: Autosomal recessive inheritance.
Comment: The variant NC_000009.12:g.35658073T>C, also known as n.-55A>G, is present in gnomAD 4.1.0 at a PopMax allele frequency of 0.3037, with [16780/54552 alleles, 2603 homozygotes] in the African/African American population, which is higher than the ClinGen SCID VCEP specified for BA1 threshold of >0.00400 and therefore meets this criterion (BA1). In summary, this variant meets the criteria to be classified as Benign for autosomal recessive cartilage-hair hypoplasia based on the ACMG/AMP criteria applied, as specified by the ClinGen SCID VCEP: BA1 (VCEP specifications version 1.3).

Labcorp Genetics (formerly Invitae), Labcorp
Classification: Benign for Anauxetic dysplasia. Last evaluated: 2026-02-04. Review status: criteria provided, single submitter. Criteria: Invitae Variant Classification Sherloc (09022015). Collection method: clinical testing. Allele origin: germline. Not counted in ClinVar's aggregate classification.

ARUP Laboratories, Molecular Genetics and Genomics, ARUP Laboratories
Classification: Benign. Last evaluated: 2025-07-03. Review status: criteria provided, single submitter. Criteria: ARUP Molecular Germline Variant Investigation Process 2024. Collection method: clinical testing. Allele origin: germline. Not counted in ClinVar's aggregate classification.

Breakthrough Genomics
Classification: Benign. Review status: criteria provided, single submitter. Criteria: ACMG Guidelines, 2015. Collection method: not provided. Allele origin: germline. Inheritance: Autosomal recessive inheritance. Affected: yes. Not counted in ClinVar's aggregate classification.

Natera, Inc.
Classification: Benign for Cartilage-hair hypoplasia. Last evaluated: 2020-09-16. Review status: no assertion criteria provided. Collection method: clinical testing. Allele origin: germline. Not counted in ClinVar's aggregate classification.